The following is an entry in ClinVar:

NM_000256.3(MYBPC3):c.1502A>G (p.Tyr501Cys)

Gene: MYBPC3 (myosin binding protein C3; minus strand). Cytogenetic location: 11p11.2.
Variant type: single nucleotide variant.
Coding change: c.1502A>G on transcript NM_000256.3 (MANE Select); coding-DNA position 1502, A replaced by G.
Protein change: p.Tyr501Cys; replaces tyrosine 501 with cysteine.
Molecular consequence: missense variant.
Genome position (GRCh38, 1-based): chr11:47,342,700, T>C on the plus strand (A>G on the coding strand, the complement: MYBPC3 is on the minus strand). VCF-style: chr11-47342700-T-C. GRCh37 (hg19) VCF-style: chr11-47364251-T-C.
Other names: short protein forms Y501C.
Identifiers: ClinVar variation 1172124 (VCV001172124.9), dbSNP rs1595846231, ClinGen allele CA380325224.
Genomic context (GRCh38, chr11:47,342,700, plus strand): 5'-TCCTCCAGCATGGCCTCGTTGATGATCAGGTGGTGTCTCTGCCCGTCCTTCTTGAACCGG[T>C]ATTTGAAGGTCTCCTCCCGGGTCAGCTCCACCCCGTCCTTCAGCCTAGCCGGGTGGGTGG-3'
Protein context (NP_000247.2, residues 491-511): VELTREETFK[Tyr501Cys]RFKKDGQRHH

ClinVar aggregate classification (germline): Uncertain significance. Review status: criteria provided, multiple submitters, no conflicts (2 of 4 stars). 5 submissions from 5 submitters: Uncertain significance (5). Last evaluated 2025-07-28.

Conditions:
Cardiomyopathy (CMYO). Also called: Cardiomyopathies. Identifiers: Orphanet 167848, MedGen C0878544, MONDO:0004994, HP:0001638. Inheritance: Various modes of inheritance.
Cardiovascular phenotype. Identifiers: MedGen CN230736.
Hypertrophic cardiomyopathy. Also called: HYPERTROPHIC MYOCARDIOPATHY. Identifiers: Orphanet 217569, MedGen C0007194, MeSH D002312, MONDO:0005045, HP:0001639.

Allele frequency attached by ClinVar (database versions not stated): gnomAD exomes below 0.00001.
gnomAD v4.1: 1 of 1,613,940 alleles (0.000062%); highest among the groups gnomAD compares: Non-Finnish European, 0.000085%; no homozygotes.

Submissions (5):

Labcorp Genetics (formerly Invitae), Labcorp
Classification: Uncertain significance for Hypertrophic cardiomyopathy. Last evaluated: 2025-07-28. Review status: criteria provided, single submitter. Criteria: Invitae Variant Classification Sherloc (09022015). Collection method: clinical testing. Allele origin: germline.
Comment: This sequence change replaces tyrosine, which is neutral and polar, with cysteine, which is neutral and slightly polar, at codon 501 of the MYBPC3 protein (p.Tyr501Cys). This variant is not present in population databases (gnomAD no frequency). This variant has not been reported in the literature in individuals affected with MYBPC3-related conditions. ClinVar contains an entry for this variant (Variation ID: 1172124). An algorithm developed to predict the effect of missense changes on protein structure and function (PolyPhen-2) suggests that this variant is likely to be disruptive. In summary, the available evidence is currently insufficient to determine the role of this variant in disease. Therefore, it has been classified as a Variant of Uncertain Significance.

Color Diagnostics, LLC DBA Color Health
Classification: Uncertain significance for Cardiomyopathy. Last evaluated: 2025-06-11. Review status: criteria provided, single submitter. Criteria: ACMG Guidelines, 2015. Collection method: clinical testing. Allele origin: germline.
Comment: This missense variant replaces tyrosine with cysteine at codon 501 of the MYBPC3 protein. This variant is found within a highly conserved region of the Ig-like domain C3 (a.a. 485-502). Missense variants in this region have been shown to be significantly overrepresented in individuals with affected with hypertrophic cardiomyopathy (PMID: 30696458). Computational prediction suggests that this variant may have a deleterious impact on protein structure and function. To our knowledge, functional studies have not been reported for this variant. This variant has not been reported in individuals affected with MYBPC3-related disorders in the literature. This variant has not been identified in the general population by the Genome Aggregation Database (gnomAD). The available evidence is insufficient to determine the role of this variant in disease conclusively. Therefore, this variant is classified as a Variant of Uncertain Significance.

GeneDx
Classification: Uncertain significance. Last evaluated: 2024-01-30. Review status: criteria provided, single submitter. Criteria: GeneDx Variant Classification Process June 2021. Collection method: clinical testing. Allele origin: germline. Affected: yes.
Comment: Has not been previously published as pathogenic or benign to our knowledge; Not observed at significant frequency in large population cohorts (gnomAD); In silico analysis supports that this missense variant has a deleterious effect on protein structure/function

All of Us Research Program, National Institutes of Health
Classification: Uncertain significance for Hypertrophic cardiomyopathy. Last evaluated: 2023-06-08. Review status: criteria provided, single submitter. Criteria: ACMG Guidelines, 2015. Collection method: clinical testing. Allele origin: germline. Inheritance: Autosomal dominant inheritance. Observed: 1 variant allele, 1 heterozygote.
Comment: This missense variant replaces tyrosine with cysteine at codon 501 of the MYBPC3 protein. Computational prediction suggests that this variant may have deleterious impact on protein structure and function (internally defined REVEL score threshold >= 0.7, PMID: 27666373). To our knowledge, functional studies have not been reported for this variant. This variant has not been reported in individuals affected with cardiovascular disorders in the literature. This variant has not been identified in the general population by the Genome Aggregation Database (gnomAD). The available evidence is insufficient to determine the role of this variant in disease conclusively. Therefore, this variant is classified as a Variant of Uncertain Significance.

This study involves interpretation of variants in research participants for the purpose of population health screening. Participant phenotype was not available at the time of variant classification. Additional details can be found in publication PMID: 35346344, PMCID: PMC8962531

Ambry Genetics
Classification: Uncertain significance for Cardiovascular phenotype. Last evaluated: 2020-05-11. Review status: criteria provided, single submitter. Criteria: Ambry Variant Classification Scheme 2023. Collection method: clinical testing. Allele origin: germline.
Comment: The p.Y501C variant (also known as c.1502A>G), located in coding exon 17 of the MYBPC3 gene, results from an A to G substitution at nucleotide position 1502. The tyrosine at codon 501 is replaced by cysteine, an amino acid with highly dissimilar properties. This amino acid position is highly conserved in available vertebrate species. In addition, this alteration is predicted to be deleterious by in silico analysis. Since supporting evidence is limited at this time, the clinical significance of this alteration remains unclear.

Literature cited by the submitters: PubMed 30696458 (cited by Color Diagnostics, LLC DBA Color Health).